The following is an entry in ClinVar:

NM_001244008.2(KIF1A):c.3223C>T (p.Leu1075Phe)

Gene: KIF1A (kinesin family member 1A; minus strand). Cytogenetic location: 2q37.3.
Variant type: single nucleotide variant.
Coding change: c.3223C>T on transcript NM_001244008.2 (MANE Select); coding-DNA position 3223, C replaced by T.
Protein change: p.Leu1075Phe; replaces leucine 1075 with phenylalanine.
Molecular consequence: missense variant.
Genome position (GRCh38, 1-based): chr2:240,745,889, G>A on the plus strand (C>T on the coding strand, the complement: KIF1A is on the minus strand). VCF-style: chr2-240745889-G-A. GRCh37 (hg19) VCF-style: chr2-241685306-G-A.
Other names: c.2947C>T, p.Leu983Phe (NM_001320705.2, NM_001330289.2, NM_001379638.1); c.3022C>T, p.Leu1008Phe (NM_001330290.2, NM_001379634.1, NM_001379635.1 and 1 more transcripts); c.3298C>T, p.Leu1100Phe (NM_001379631.1); c.3172C>T, p.Leu1058Phe (NM_001379632.1); c.3196C>T, p.Leu1066Phe (NM_001379633.1, NM_001379642.1, NM_001379645.1); c.2920C>T, p.Leu974Phe (NM_001379636.1, NM_001379639.1, NM_001379641.1 and 6 more transcripts); c.2995C>T, p.Leu999Phe (NM_001379637.1, NM_001379648.1); c.2917C>T, p.Leu973Phe (NM_001379640.1); short protein forms L1008F, L1058F, L1066F, L1075F, L1100F, L973F, L974F, L983F.
Identifiers: ClinVar variation 2684256 (VCV002684256.1), dbSNP rs2537291841, ClinGen allele CA351318692.

ClinVar aggregate classification (germline): Uncertain significance (1 of 4 stars; one submission).

Submission:

Athena Diagnostics
Classification: Uncertain significance. Last evaluated: 2023-03-14. Review status: criteria provided, single submitter. Criteria: Athena Diagnostics Criteria. Collection method: clinical testing. Allele origin: unknown.
Comment: Available data are insufficient to determine the clinical significance of the variant at this time. This variant has not been reported in large, multi-ethnic general populations. Computational tools disagree on the variant's effect on normal protein function.